The following is an entry in ClinVar:

NM_001127644.2(GABRA1):c.-16+18C>G

Gene: GABRA1 (gamma-aminobutyric acid type A receptor subunit alpha1; plus strand). Cytogenetic location: 5q34.
Variant type: single nucleotide variant.
Coding change: c.-16+18C>G on transcript NM_001127644.2 (MANE Select); 18 bases into the intron after 16 bases upstream of the start codon, C replaced by G.
Molecular consequence: intron variant.
Genome position (GRCh38, 1-based): chr5:161,848,440, C>G. VCF-style: chr5-161848440-C-G. GRCh37 (hg19) VCF-style: chr5-161275446-C-G.
Other names: c.-16+18C>G (NM_000806.5, NM_001127643.2).
Identifiers: ClinVar variation 516092 (VCV000516092.1), dbSNP rs978912528, ClinGen allele CA131081768.
Genomic context (GRCh38, chr5:161,848,440, plus strand): 5'-TTTCCCCGGTCTTAAGAGATCCTGTGTCCAGAGGGGGCCTTAGGTAAGTGCGACTTTGGA[C>G]CACGATACACAGACAGAGCTTTGAACGTGGCTTTTCCTAGCTGGAGAGACAGGAATGTTA-3'

ClinVar aggregate classification (germline): Likely benign (1 of 4 stars; one submission).

Allele frequency attached by ClinVar (database versions not stated): gnomAD 0.00001; TOPMed 0.00001.
gnomAD v4.1: 1 of 146,910 alleles (0.00068%); highest among the groups gnomAD compares: African/African-American, 0.0026%; no homozygotes.

Submission:

GeneDx
Classification: Likely benign. Last evaluated: 2017-11-28. Review status: criteria provided, single submitter. Criteria: GeneDx Variant Classification (06012015). Collection method: clinical testing. Allele origin: germline. Affected: yes.
Comment: This variant is considered likely benign or benign based on one or more of the following criteria: it is a conservative change, it occurs at a poorly conserved position in the protein, it is predicted to be benign by multiple in silico algorithms, and/or has population frequency not consistent with disease.